The following is an entry in ClinVar:

NM_052876.4(NACC1):c.430C>T (p.Gln144Ter)

Gene: NACC1 (nucleus accumbens associated 1; plus strand). Cytogenetic location: 19p13.13.
Variant type: single nucleotide variant.
Coding change: c.430C>T on transcript NM_052876.4 (MANE Select); coding-DNA position 430, C replaced by T.
Protein change: p.Gln144Ter; replaces glutamine 144 with a stop codon.
Molecular consequence: nonsense.
Genome position (GRCh38, 1-based): chr19:13,135,637, C>T. VCF-style: chr19-13135637-C-T. GRCh37 (hg19) VCF-style: chr19-13246451-C-T.
Other names: short protein forms Q144*.
Identifiers: ClinVar variation 1510693 (VCV001510693.6), dbSNP rs2145623458, ClinGen allele CA404325357.

ClinVar aggregate classification (germline): Uncertain significance (1 of 4 stars; one submission).

Submission:

Labcorp Genetics (formerly Invitae), Labcorp
Classification: Uncertain significance. Last evaluated: 2023-10-03. Review status: criteria provided, single submitter. Criteria: Invitae Variant Classification Sherloc (09022015). Collection method: clinical testing. Allele origin: germline.
Comment: This sequence change creates a premature translational stop signal (p.Gln144*) in the NACC1 gene. It is expected to result in an absent or disrupted protein product. However, the current clinical and genetic evidence is not sufficient to establish whether loss-of-function variants in NACC1 cause disease. This variant is not present in population databases (gnomAD no frequency). This variant has not been reported in the literature in individuals affected with NACC1-related conditions. ClinVar contains an entry for this variant (Variation ID: 1510693). In summary, the available evidence is currently insufficient to determine the role of this variant in disease. Therefore, it has been classified as a Variant of Uncertain Significance.